The following is an entry in ClinVar:

NM_001378454.1(ALMS1):c.5080G>T (p.Val1694Phe)

Gene: ALMS1 (ALMS1 centrosome and basal body associated protein; plus strand). Cytogenetic location: 2p13.1.
Variant type: single nucleotide variant.
Coding change: c.5080G>T on transcript NM_001378454.1 (MANE Select); coding-DNA position 5080, G replaced by T.
Protein change: p.Val1694Phe; replaces valine 1694 with phenylalanine.
Molecular consequence: missense variant.
Genome position (GRCh38, 1-based): chr2:73,451,607, G>T. VCF-style: chr2-73451607-G-T. GRCh37 (hg19) VCF-style: chr2-73678734-G-T.
Other names: c.5083G>T, p.Val1695Phe (NM_015120.4); short protein forms V1694F, V1695F.
Identifiers: ClinVar variation 3675293 (VCV003675293.1).
Genomic context (GRCh38, chr2:73,451,607, plus strand): 5'-TTCTACCAGCAGACCCTATCAGACAGTCATTTACCTGAAGAAGCTCTGAAAGTTCCACCT[G>T]TTCCTGGACCAGATGCCCAGAAGACTGAGACACCATCAGTATCCTCTAGTTTATACTCAT-3'
Protein context (NP_001365383.1, residues 1684-1704): LPEEALKVPP[Val1694Phe]PGPDAQKTET

ClinVar aggregate classification (germline): Uncertain significance (1 of 4 stars; one submission).

Conditions:
Alstrom syndrome (ALMS). Identifiers: Orphanet 64, MedGen C0268425, MONDO:0008763, OMIM 203800.

Submission:

Labcorp Genetics (formerly Invitae), Labcorp
Classification: Uncertain significance for Alstrom syndrome. Last evaluated: 2024-02-06. Review status: criteria provided, single submitter. Criteria: Invitae Variant Classification Sherloc (09022015). Collection method: clinical testing. Allele origin: germline.
Comment: This sequence change replaces valine, which is neutral and non-polar, with phenylalanine, which is neutral and non-polar, at codon 1695 of the ALMS1 protein (p.Val1695Phe). This variant is present in population databases (no rsID available, gnomAD no frequency). This variant has not been reported in the literature in individuals affected with ALMS1-related conditions. Experimental studies and prediction algorithms are not available or were not evaluated, and the functional significance of this variant is currently unknown. In summary, the available evidence is currently insufficient to determine the role of this variant in disease. Therefore, it has been classified as a Variant of Uncertain Significance.